The following is an entry in ClinVar:

ClinVar aggregate classification (germline): Likely benign. Review status: criteria provided, multiple submitters, no conflicts (2 of 4 stars). 3 submissions from 3 submitters: Likely benign (3). Last evaluated 2026-03-07.

Conditions:
ALPK3-related disorder. Also called: ALPK3-related condition.

gnomAD v4.1: 15 of 1,614,032 alleles (0.00093%); highest among the groups gnomAD compares: African/African-American, 0.011%; no homozygotes.

Submissions (3):

PreventionGenetics, part of Exact Sciences
Classification: Likely benign for ALPK3-related condition. Last evaluated: 2026-03-07. Review status: criteria provided, single submitter. Criteria: ACMG Guidelines, 2015. Collection method: clinical testing. Allele origin: germline.
Comment: This variant is classified as likely benign based on ACMG/AMP sequence variant interpretation guidelines (Richards et al. 2015 PMID: 25741868, with internal and published modifications).

Labcorp Genetics (formerly Invitae), Labcorp
Classification: Likely benign. Last evaluated: 2025-05-13. Review status: criteria provided, single submitter. Criteria: Invitae Variant Classification Sherloc (09022015). Collection method: clinical testing. Allele origin: germline.

Blueprint Genetics
Classification: Likely benign. Last evaluated: 2024-05-30. Review status: criteria provided, single submitter. Criteria: ACMG Guidelines, 2015. Collection method: clinical testing. Allele origin: germline.

NM_020778.5(ALPK3):c.4323G>A (p.Thr1441=)

Gene: ALPK3 (alpha kinase 3; plus strand). Cytogenetic location: 15q25.3.
Variant type: single nucleotide variant.
Coding change: c.4323G>A on transcript NM_020778.5 (MANE Select); coding-DNA position 4323, G replaced by A.
Protein change: p.Thr1441=; no amino-acid change (threonine 1441 retained).
Molecular consequence: synonymous variant.
Genome position (GRCh38, 1-based): chr15:84,862,828, G>A. VCF-style: chr15-84862828-G-A. GRCh37 (hg19) VCF-style: chr15-85406059-G-A.
Other names: c.4929G>A (NM_020778.4).
Identifiers: ClinVar variation 1929854 (VCV001929854.7), dbSNP rs372396708, ClinGen allele CA273631410.